The following is an entry in ClinVar:

ClinVar aggregate classification (germline): Benign (1 of 4 stars; one submission).

Allele frequency attached by ClinVar (database versions not stated): 1000 Genomes Project 30x 0.12789; TOPMed 0.12939; gnomAD 0.13064 and 0.13234; 1000 Genomes Project 0.13099.
gnomAD v4.1: 20,209 of 152,072 alleles (13%); highest among the groups gnomAD compares: Middle Eastern, 19%; 1,372 homozygotes.

Submission:

GeneDx
Classification: Benign. Last evaluated: 2018-06-14. Review status: criteria provided, single submitter. Criteria: GeneDx Variant Classification (06012015). Collection method: clinical testing. Allele origin: germline. Affected: yes.
Comment: This variant is considered likely benign or benign based on one or more of the following criteria: it is a conservative change, it occurs at a poorly conserved position in the protein, it is predicted to be benign by multiple in silico algorithms, and/or has population frequency not consistent with disease.

NM_000393.5(COL5A2):c.457-325C>T

Gene: COL5A2 (collagen type V alpha 2 chain; minus strand). Cytogenetic location: 2q32.2.
Variant type: single nucleotide variant.
Coding change: c.457-325C>T on transcript NM_000393.5 (MANE Select); 325 bases into the intron before coding-DNA position 457, C replaced by T.
Molecular consequence: intron variant.
Genome position (GRCh38, 1-based): chr2:189,092,745, G>A on the plus strand (C>T on the coding strand, the complement: COL5A2 is on the minus strand). VCF-style: chr2-189092745-G-A. GRCh37 (hg19) VCF-style: chr2-189957471-G-A.
Identifiers: ClinVar variation 681249 (VCV000681249.1), dbSNP rs56667101, ClinGen allele CA15212658.